The following is an entry in ClinVar:

NM_000479.5(AMH):c.1154C>T (p.Ala385Val)

Gene: AMH (anti-Mullerian hormone; plus strand). Cytogenetic location: 19p13.3.
Variant type: single nucleotide variant.
Coding change: c.1154C>T on transcript NM_000479.5 (MANE Select); coding-DNA position 1154, C replaced by T.
Protein change: p.Ala385Val; replaces alanine 385 with valine.
Molecular consequence: missense variant.
Genome position (GRCh38, 1-based): chr19:2,251,428, C>T. VCF-style: chr19-2251428-C-T. GRCh37 (hg19) VCF-style: chr19-2251427-C-T.
Other names: short protein forms A385V.
Identifiers: ClinVar variation 4848026 (VCV004848026.1).

ClinVar aggregate classification (germline): Uncertain significance (1 of 4 stars; one submission).

gnomAD v4.1: 22 of 1,440,130 alleles (0.0015%); highest among the groups gnomAD compares: Non-Finnish European, 0.0019%; no homozygotes.

Submission:

Women's Health and Genetics/Laboratory Corporation of America, LabCorp
Classification: Uncertain significance. Last evaluated: 2026-02-05. Review status: criteria provided, single submitter. Criteria: LabCorp Variant Classification Summary - May 2015. Collection method: clinical testing. Allele origin: germline.
Comment: Variant summary: AMH c.1154C>T (p.Ala385Val) results in a non-conservative amino acid change in the encoded protein sequence. Algorithms developed to predict the effect of missense changes on protein structure and function are either unavailable or do not agree on the potential impact of this missense change. The frequency data for this variant in gnomAD is considered unreliable, as metrics indicate poor data quality at this position. c.1154C>T has been observed in individual(s) affected with Persistent Mullerian duct syndrome (Gorsic_2017). These report(s) do not provide unequivocal conclusions about association of the variant with Persistent Mullerian duct syndrome. At least one publication reports experimental evidence evaluating an impact on protein function (Gorsic_2017). The most pronounced variant effect results in 30%-50% of normal activity. The following publication have been ascertained in the context of this evaluation (PMID: 28505284). No submitters have cited clinical-significance assessments for this variant to ClinVar. Based on the evidence outlined above, the variant was classified as VUS-possibly pathogenic.

Literature cited by the submitters: PubMed 28505284.